The following is an entry in ClinVar:

NM_022114.4(PRDM16):c.1927G>A (p.Ala643Thr)

Gene: PRDM16 (PR/SET domain 16; plus strand). Cytogenetic location: 1p36.32.
Variant type: single nucleotide variant.
Coding change: c.1927G>A on transcript NM_022114.4 (MANE Select); coding-DNA position 1927, G replaced by A.
Protein change: p.Ala643Thr; replaces alanine 643 with threonine.
Molecular consequence: missense variant.
Genome position (GRCh38, 1-based): chr1:3,412,124, G>A. VCF-style: chr1-3412124-G-A. GRCh37 (hg19) VCF-style: chr1-3328688-G-A.
Other names: c.1927G>A, p.Ala643Thr (NM_199454.3); short protein forms A643T.
Identifiers: ClinVar variation 1509009 (VCV001509009.8), dbSNP rs554385722, ClinGen allele CA544337.

ClinVar aggregate classification (germline): Uncertain significance (1 of 4 stars; one submission).

Conditions:
Left ventricular noncompaction 8 (LVNC8). Identifiers: Orphanet 154, Orphanet 54260, MedGen C3809288, MONDO:0014152, OMIM 615373.

Allele frequency attached by ClinVar (database versions not stated): gnomAD exomes 0.00002; ExAC 0.00004; gnomAD 0.00004 and 0.00005; TOPMed 0.00006; 1000 Genomes Project 30x 0.00016; 1000 Genomes Project 0.00020.
gnomAD v4.1: 36 of 1,566,814 alleles (0.0023%); highest among the groups gnomAD compares: African/African-American, 0.012%; no homozygotes.

Submission:

Labcorp Genetics (formerly Invitae), Labcorp
Classification: Uncertain significance for Left ventricular noncompaction 8. Last evaluated: 2025-01-12. Review status: criteria provided, single submitter. Criteria: Invitae Variant Classification Sherloc (09022015). Collection method: clinical testing. Allele origin: germline.
Comment: This sequence change replaces alanine, which is neutral and non-polar, with threonine, which is neutral and polar, at codon 643 of the PRDM16 protein (p.Ala643Thr). This variant is present in population databases (rs554385722, gnomAD 0.02%). This variant has not been reported in the literature in individuals affected with PRDM16-related conditions. ClinVar contains an entry for this variant (Variation ID: 1509009). An algorithm developed to predict the effect of missense changes on protein structure and function outputs the following: PolyPhen-2: "Benign". The threonine amino acid residue is found in multiple mammalian species, which suggests that this missense change does not adversely affect protein function. In summary, the available evidence is currently insufficient to determine the role of this variant in disease. Therefore, it has been classified as a Variant of Uncertain Significance.